The following is an entry in ClinVar:

ClinVar aggregate classification (germline): Uncertain significance (1 of 4 stars; one submission).

Submission:

Women's Health and Genetics/Laboratory Corporation of America, LabCorp
Classification: Uncertain significance. Last evaluated: 2023-02-08. Review status: criteria provided, single submitter. Criteria: LabCorp Variant Classification Summary - May 2015. Collection method: clinical testing. Allele origin: germline.
Comment: Variant summary: The variant identified by MLPA or other technology involves the duplication of exons 1-18 in the ZFYVE26 gene, where exon 2 contains the initiator codon. The exact breakpoint at the 5' end of this variant is unknown and therefore this duplication might extend upstream of the assayed region of the gene. A presumed nomenclature of c.(?_-140)_(3304+1_3305-1)dup has been designated for the purposes of this classification. It has been assumed that this is a tandem duplication in direct orientation (Richardson_GIM_2018, Newman_AJHG_2015). Since the exact breakpoints of this duplication are not known, it is not possible to predict the protein level effect of this variant. The variant was absent in 21694 control chromosomes in the gnomAD database, structural variants dataset. The available data on variant occurrences in the general population are insufficient to allow any conclusion about variant significance. To our knowledge, no occurrence of c.(?_-140)_(3304+1_3305-1)dup in individuals affected with Hereditary Spastic Paraplegia 15 and no experimental evidence demonstrating its impact on protein function have been reported. No clinical diagnostic laboratories have submitted clinical-significance assessments for this variant to ClinVar after 2014. In conclusion, while it may be assumed that duplication variants including a large DNA segment upstream of the gene (i.e. containing the promoter- and other essential regulatory elements) might result in regular transcription initiation leading to an intact protein product, shorter tandem duplication variants involving the first 2 exons, could result in a frameshift or in-frame duplication change causing disease. Since it is not possible to distinguish between these two outcomes in the context of this evaluation, the variant was classified as uncertain significance.

NC_000014.8:g.(68251995_68252574)_(68283307_?)dup

Gene: ZFYVE26 (zinc finger FYVE-type containing 26; minus strand). Cytogenetic location: 14q24.1.
Variant type: Duplication.
Identifiers: ClinVar variation 2445755 (VCV002445755.1).